The following is an entry in ClinVar:

ClinVar aggregate classification (germline): Likely pathogenic (1 of 4 stars; one submission).

Conditions:
Sulfite oxidase deficiency due to molybdenum cofactor deficiency type C. Also called: Molybdenum cofactor deficiency, complementation group C; Molybdenum cofactor deficiency C. Identifiers: Orphanet 308400, Orphanet 833, MedGen C1854990, MONDO:0014212, OMIM 615501.

Submission:

Labcorp Genetics (formerly Invitae), Labcorp
Classification: Likely pathogenic for Sulfite oxidase deficiency due to molybdenum cofactor deficiency type C. Last evaluated: 2023-10-29. Review status: criteria provided, single submitter. Criteria: Invitae Variant Classification Sherloc (09022015). Collection method: clinical testing. Allele origin: germline.
Comment: This sequence change affects a donor splice site in intron 10 of the GPHN gene. It is expected to disrupt RNA splicing. Variants that disrupt the donor or acceptor splice site typically lead to a loss of protein function (PMID: 16199547), and loss-of-function variants in GPHN are known to be pathogenic (PMID: 11095995, 23184456, 23393157, 24561070, 26613940). This variant is not present in population databases (gnomAD no frequency). This variant has not been reported in the literature in individuals affected with GPHN-related conditions. Algorithms developed to predict the effect of sequence changes on RNA splicing suggest that this variant may disrupt the consensus splice site. In summary, the currently available evidence indicates that the variant is pathogenic, but additional data are needed to prove that conclusively. Therefore, this variant has been classified as Likely Pathogenic.

Literature cited by the submitters: PubMed 16199547; PubMed 11095995; PubMed 23184456; PubMed 23393157; PubMed 24561070; PubMed 26613940.

NM_020806.5(GPHN):c.1006+2T>C

Gene: GPHN (gephyrin; plus strand). Cytogenetic location: 14q23.3.
Variant type: single nucleotide variant.
Coding change: c.1006+2T>C on transcript NM_020806.5 (MANE Select); the canonical splice donor site of the intron after coding-DNA position 1006, T replaced by C.
Molecular consequence: splice donor variant.
Genome position (GRCh38, 1-based): chr14:67,023,677, T>C. VCF-style: chr14-67023677-T-C. GRCh37 (hg19) VCF-style: chr14-67490394-T-C.
Other names: c.1066+2T>C (NM_001377514.1); c.946+2T>C (NM_001377519.1); c.1036+2T>C (NM_001377515.1); c.1027+2T>C (NM_001377516.1); c.964+2T>C (NM_001377518.1); c.979+2T>C (NM_001377517.1); c.907+2T>C (NM_001024218.2).
Identifiers: ClinVar variation 2772629 (VCV002772629.3), dbSNP rs2542172605, ClinGen allele CA390257141.